The following is an entry in ClinVar:

NM_015158.5(KANK1):c.3335G>C (p.Arg1112Thr)

Genes: KANK1 (KN motif and ankyrin repeat domains 1; plus strand), LOC126860554 (MED14-independent group 3 enhancer GRCh37_chr9:737889-739088; plus strand). Cytogenetic location: 9p24.3.
Variant type: single nucleotide variant.
Coding change: c.3335G>C on transcript NM_015158.5 (MANE Select); coding-DNA position 3335, G replaced by C.
Protein change: p.Arg1112Thr; replaces arginine 1112 with threonine.
Molecular consequence: missense variant. On other transcripts: non-coding transcript variant (1).
Genome position (GRCh38, 1-based): chr9:738,286, G>C. VCF-style: chr9-738286-G-C. GRCh37 (hg19) VCF-style: chr9-738286-G-C.
Other names: c.3335G>C, p.Arg1112Thr (NM_001256876.3, NM_001256877.3, NM_001354334.2); c.3095G>C, p.Arg1032Thr (NM_001354331.2); c.3281G>C, p.Arg1094Thr (NM_001354332.2); c.2861G>C, p.Arg954Thr (NM_001354333.2, NM_001354335.2, NM_001354337.2 and 2 more transcripts); c.2567G>C, p.Arg856Thr (NM_001354336.2); c.2807G>C, p.Arg936Thr (NM_001354338.2, NM_001354340.2, NM_001354344.2); c.2621G>C, p.Arg874Thr (NM_001354339.2, NM_001354342.2, NM_001354343.2); short protein forms R1032T, R1112T, R954T, R874T, R1094T, R856T, R936T.
Identifiers: ClinVar variation 3724639 (VCV003724639.2).
Genomic context (GRCh38, chr9:738,286, plus strand): 5'-AACTAGGTCTCAGAAAGTCTATAAATAGAAGAACTAACGACCACTTGGTGTTTTGGCAGA[G>C]GTTCTGTCTGAACACCCTCCAGCACGAGTGGTTCCGCGTGTCCAGTCAGAAGTCAGCCAT-3'
Protein context (NP_055973.2, residues 1102-1122): DPKALTSKDM[Arg1112Thr]FCLNTLQHEW

ClinVar aggregate classification (germline): Uncertain significance (1 of 4 stars; one submission).

Submission:

Labcorp Genetics (formerly Invitae), Labcorp
Classification: Uncertain significance. Last evaluated: 2024-11-10. Review status: criteria provided, single submitter. Criteria: Invitae Variant Classification Sherloc (09022015). Collection method: clinical testing. Allele origin: germline.
Comment: This sequence change replaces arginine, which is basic and polar, with threonine, which is neutral and polar, at codon 1112 of the KANK1 protein (p.Arg1112Thr). This variant is not present in population databases (gnomAD no frequency). This variant has not been reported in the literature in individuals affected with KANK1-related conditions. An algorithm developed to predict the effect of missense changes on protein structure and function (PolyPhen-2) suggests that this variant is likely to be disruptive. In summary, the available evidence is currently insufficient to determine the role of this variant in disease. Therefore, it has been classified as a Variant of Uncertain Significance.